The following is an entry in ClinVar:

ClinVar aggregate classification (germline): Uncertain significance (1 of 4 stars; one submission).

gnomAD v4.1: 1 of 1,600,682 alleles (0.000062%); highest among the groups gnomAD compares: Non-Finnish European, 0.000085%; no homozygotes.

Submission:

Ambry Genetics
Classification: Uncertain significance. Last evaluated: 2026-08-05. Review status: criteria provided, single submitter. Criteria: Ambry Variant Classification Scheme 2023. Collection method: clinical testing. Allele origin: germline.
Comment: The p.L204V variant (also known as c.610C>G), located in coding exon 5 of the RECQL gene, results from a C to G substitution at nucleotide position 610. The leucine at codon 204 is replaced by valine, an amino acid with highly similar properties. This amino acid position is conserved. In addition, the in silico prediction for this alteration is inconclusive. Based on the available evidence, the clinical significance of this variant remains unclear.

NM_002907.4(RECQL):c.610C>G (p.Leu204Val)

Gene: RECQL (RecQ like helicase; minus strand). Cytogenetic location: 12p12.1.
Variant type: single nucleotide variant.
Coding change: c.610C>G on transcript NM_002907.4 (MANE Select); coding-DNA position 610, C replaced by G.
Protein change: p.Leu204Val; replaces leucine 204 with valine.
Molecular consequence: missense variant.
Genome position (GRCh38, 1-based): chr12:21,483,466, G>C on the plus strand (C>G on the coding strand, the complement: RECQL is on the minus strand). VCF-style: chr12-21483466-G-C. GRCh37 (hg19) VCF-style: chr12-21636400-G-C.
Other names: c.610C>G, p.Leu204Val (NM_032941.3); short protein forms L204V.
Identifiers: ClinVar variation 5028052 (VCV005028052.1).